The following is an entry in ClinVar:

NM_182931.3(KMT2E):c.4834T>C (p.Ser1612Pro)

Gene: KMT2E (lysine methyltransferase 2E (inactive); plus strand). Cytogenetic location: 7q22.3.
Variant type: single nucleotide variant.
Coding change: c.4834T>C on transcript NM_182931.3 (MANE Select); coding-DNA position 4834, T replaced by C.
Protein change: p.Ser1612Pro; replaces serine 1612 with proline.
Molecular consequence: missense variant.
Genome position (GRCh38, 1-based): chr7:105,112,590, T>C. VCF-style: chr7-105112590-T-C. GRCh37 (hg19) VCF-style: chr7-104753037-T-C.
Other names: c.4834T>C, p.Ser1612Pro (NM_018682.4); short protein forms S1612P.
Identifiers: ClinVar variation 1305603 (VCV001305603.2), dbSNP rs1799356642, ClinGen allele CA368793686.

ClinVar aggregate classification (germline): Uncertain significance (1 of 4 stars; one submission).

Allele frequency attached by ClinVar (database versions not stated): gnomAD exomes below 0.00001.
gnomAD v4.1: 2 of 1,613,972 alleles (0.00012%); highest among the groups gnomAD compares: Non-Finnish European, 0.00017%; no homozygotes.

Submission:

GeneDx
Classification: Uncertain significance. Last evaluated: 2019-05-08. Review status: criteria provided, single submitter. Criteria: GeneDx Variant Classification Process June 2021. Collection method: clinical testing. Allele origin: germline. Affected: yes.
Comment: Not observed in large population cohorts (Lek et al., 2016); In silico analysis, which includes protein predictors and evolutionary conservation, supports that this variant does not alter protein structure/function; Has not been previously published as pathogenic or benign to our knowledge